The following is an entry in ClinVar:

ClinVar aggregate classification (germline): Uncertain significance (1 of 4 stars; one submission).

Submission:

GeneDx
Classification: Uncertain significance. Last evaluated: 2023-11-02. Review status: criteria provided, single submitter. Criteria: GeneDx Variant Classification Process June 2021. Collection method: clinical testing. Allele origin: germline. Affected: yes.
Comment: Not observed at significant frequency in large population cohorts (gnomAD); In silico analysis supports that this missense variant does not alter protein structure/function; Has not been previously published as pathogenic or benign to our knowledge

NM_001349338.3(FOXP1):c.712G>A (p.Ala238Thr)

Gene: FOXP1 (forkhead box P1; minus strand). Cytogenetic location: 3p13.
Variant type: single nucleotide variant.
Coding change: c.712G>A on transcript NM_001349338.3 (MANE Select); coding-DNA position 712, G replaced by A.
Protein change: p.Ala238Thr; replaces alanine 238 with threonine.
Molecular consequence: missense variant. On other transcripts: non-coding transcript variant (2).
Genome position (GRCh38, 1-based): chr3:71,041,485, C>T on the plus strand (G>A on the coding strand, the complement: FOXP1 is on the minus strand). VCF-style: chr3-71041485-C-T. GRCh37 (hg19) VCF-style: chr3-71090636-C-T.
Other names: c.712G>A, p.Ala238Thr (NM_001244808.3, NM_001244810.2, NM_001244814.3 and 3 more transcripts); c.484G>A, p.Ala162Thr (NM_001244812.3); c.412G>A, p.Ala138Thr (NM_001244813.3, NM_001244815.2, NM_001349342.3 and 1 more transcripts); c.409G>A, p.Ala137Thr (NM_001349337.2, NM_001349343.3, NM_001349344.3); c.709G>A, p.Ala237Thr (NM_001349341.3); short protein forms A137T, A138T, A162T, A237T, A238T.
Identifiers: ClinVar variation 3363580 (VCV003363580.1).
Genomic context (GRCh38, chr3:71,041,485, plus strand): 5'-ATGTCGTGGTCAGATCCAAACTGCTGTGATTGTTGCCTGTGGTTTCTTCTGCAGTATGAG[C>T]ACTTGTCACTTCTTTCCAGAGCTGCTGCAGTTCTGTTGGAATCATGCCTGAAACAAACAA-3'
Protein context (NP_001336267.1, residues 228-248): LQQLWKEVTS[Ala238Thr]HTAEETTGNN